The following is an entry in ClinVar:

ClinVar aggregate classification (germline): Uncertain significance. Review status: criteria provided, multiple submitters, no conflicts (2 of 4 stars). 3 submissions from 3 submitters: Uncertain significance (3). Last evaluated 2023-11-17.

Conditions:
Dilated cardiomyopathy 1W (CMD1W). Identifiers: Orphanet 154, MedGen C1969639, MONDO:0012667, OMIM 611407.
Cardiovascular phenotype. Identifiers: MedGen CN230736.

Allele frequency attached by ClinVar (database versions not stated): gnomAD exomes 0.00001.
gnomAD v4.1: 8 of 1,541,882 alleles (0.00052%); highest among the groups gnomAD compares: Non-Finnish European, 0.0007%; no homozygotes.

Submissions (3):

Ambry Genetics
Classification: Uncertain significance for Cardiovascular phenotype. Last evaluated: 2023-11-17. Review status: criteria provided, single submitter. Criteria: Ambry Variant Classification Scheme 2023. Collection method: clinical testing. Allele origin: germline.
Comment: The p.S52T variant (also known as c.155G>C), located in coding exon 1 of the VCL gene, results from a G to C substitution at nucleotide position 155. The serine at codon 52 is replaced by threonine, an amino acid with similar properties. This amino acid position is conserved. In addition, this alteration is predicted to be tolerated by in silico analysis. Since supporting evidence is limited at this time, the clinical significance of this alteration remains unclear.

Labcorp Genetics (formerly Invitae), Labcorp
Classification: Uncertain significance for Dilated cardiomyopathy 1W. Last evaluated: 2022-04-17. Review status: criteria provided, single submitter. Criteria: Invitae Variant Classification Sherloc (09022015). Collection method: clinical testing. Allele origin: germline.
Comment: This sequence change replaces serine, which is neutral and polar, with threonine, which is neutral and polar, at codon 52 of the VCL protein (p.Ser52Thr). This variant is not present in population databases (gnomAD no frequency). This variant has not been reported in the literature in individuals affected with VCL-related conditions. ClinVar contains an entry for this variant (Variation ID: 300781). Algorithms developed to predict the effect of missense changes on protein structure and function are either unavailable or do not agree on the potential impact of this missense change (SIFT: "Not Available"; PolyPhen-2: "Benign"; Align-GVGD: "Not Available"). In summary, the available evidence is currently insufficient to determine the role of this variant in disease. Therefore, it has been classified as a Variant of Uncertain Significance.

Illumina Laboratory Services, Illumina
Classification: Uncertain significance for Dilated cardiomyopathy 1W. Last evaluated: 2018-01-13. Review status: criteria provided, single submitter. Criteria: ICSL Variant Classification Criteria 13 December 2019. Collection method: clinical testing. Allele origin: germline.

NM_014000.3(VCL):c.155G>C (p.Ser52Thr)

Gene: VCL (vinculin; plus strand). Cytogenetic location: 10q22.2.
Variant type: single nucleotide variant.
Coding change: c.155G>C on transcript NM_014000.3 (MANE Select); coding-DNA position 155, G replaced by C.
Protein change: p.Ser52Thr; replaces serine 52 with threonine.
Molecular consequence: missense variant.
Genome position (GRCh38, 1-based): chr10:73,998,362, G>C. VCF-style: chr10-73998362-G-C. GRCh37 (hg19) VCF-style: chr10-75758120-G-C.
Other names: c.155G>C, p.Ser52Thr (NM_003373.4); short protein forms S52T.
Identifiers: ClinVar variation 300781 (VCV000300781.8), dbSNP rs886047216, ClinGen allele CA10629031.